The following is an entry in ClinVar:

ClinVar aggregate classification (germline): Pathogenic. Review status: criteria provided, multiple submitters, no conflicts (2 of 4 stars). 2 submissions from 2 submitters: Pathogenic (2). Last evaluated 2025-12-24.

Conditions:
BAP1-related tumor predisposition syndrome (TPDS1). Also called: BAP1 tumor predisposition syndrome; Tumor susceptibility linked to germline BAP1 mutations; TUMOR PREDISPOSITION SYNDROME 1; COMMON Syndrome. Identifiers: Orphanet 289539, MedGen C3280492, MONDO:0013692, OMIM 614327.
Hereditary cancer-predisposing syndrome. Also called: Neoplastic Syndromes, Hereditary; Tumor predisposition; Hereditary Cancer Syndrome; Hereditary neoplastic syndrome. Identifiers: Orphanet 140162, MedGen C0027672, MeSH D009386, MONDO:0015356.

Submissions (2):

Labcorp Genetics (formerly Invitae), Labcorp
Classification: Pathogenic for BAP1-related tumor predisposition syndrome. Last evaluated: 2025-12-24. Review status: criteria provided, single submitter. Criteria: Invitae Variant Classification Sherloc (09022015). Collection method: clinical testing. Allele origin: germline.
Comment: This sequence change creates a premature translational stop signal (p.Lys612Argfs*5) in the BAP1 gene. It is expected to result in an absent or disrupted protein product. Loss-of-function variants in BAP1 are known to be pathogenic (PMID: 21874000, 23684012). This variant is not present in population databases (gnomAD no frequency). This variant has not been reported in the literature in individuals affected with BAP1-related conditions. ClinVar contains an entry for this variant (Variation ID: 412434). For these reasons, this variant has been classified as Pathogenic.

Ambry Genetics
Classification: Pathogenic for Hereditary cancer-predisposing syndrome. Last evaluated: 2023-07-03. Review status: criteria provided, single submitter. Criteria: Ambry Variant Classification Scheme 2023. Collection method: clinical testing. Allele origin: germline.
Comment: The c.1835delA pathogenic mutation, located in coding exon 14 of the BAP1 gene, results from a deletion of one nucleotide at nucleotide position 1835, causing a translational frameshift with a predicted alternate stop codon (p.K612Rfs*5). This alteration has been observed in at least one individual with a personal and/or family history that is consistent with BAP1-related disease (Ambry internal data). This variant is considered to be rare based on population cohorts in the Genome Aggregation Database (gnomAD). This alteration is expected to result in loss of function by premature protein truncation or nonsense-mediated mRNA decay. As such, this alteration is interpreted as a disease-causing mutation.

Literature cited by the submitters: PubMed 21874000 (cited by Labcorp Genetics (formerly Invitae), Labcorp); PubMed 23684012 (cited by Labcorp Genetics (formerly Invitae), Labcorp).

NM_004656.4(BAP1):c.1835del (p.Lys612fs)

Gene: BAP1 (BRCA1 associated deubiquitinase 1; minus strand). Cytogenetic location: 3p21.1.
Variant type: Deletion.
Coding change: c.1835del on transcript NM_004656.4 (MANE Select); coding-DNA position 1835, one base deleted (A; older notation c.1835delA).
Protein change: p.Lys612fs; shifts the reading frame from lysine 612.
Molecular consequence: frameshift variant.
Genome position (GRCh38, 1-based): chr3:52,403,193, T deleted on the plus strand (A on the coding strand, the reverse complement: BAP1 is on the minus strand); the first of 2 consecutive T bases (chr3:52,403,193-52,403,194); deleting either gives the same sequence. VCF-style (leftmost placement, unchanged base first): chr3-52403192-CT-C. GRCh37 (hg19) VCF-style: chr3-52437208-CT-C.
Other names: c.1835del (NM_004656.3); c.1835delA (NM_004656.2); short protein forms K612fs.
Identifiers: ClinVar variation 412434 (VCV000412434.13), dbSNP rs1060503743, ClinGen allele CA16611329.